The following is an entry in ClinVar:

NM_000268.4(NF2):c.743A>G (p.Asn248Ser)

Gene: NF2 (NF2, moesin-ezrin-radixin like (MERLIN) tumor suppressor; plus strand). Cytogenetic location: 22q12.2.
Variant type: single nucleotide variant.
Coding change: c.743A>G on transcript NM_000268.4 (MANE Select); coding-DNA position 743, A replaced by G.
Protein change: p.Asn248Ser; replaces asparagine 248 with serine.
Molecular consequence: missense variant. On other transcripts: non-coding transcript variant (1), intron variant (1).
Genome position (GRCh38, 1-based): chr22:29,661,272, A>G. VCF-style: chr22-29661272-A-G. GRCh37 (hg19) VCF-style: chr22-30057261-A-G.
Other names: c.743A>G, p.Asn248Ser (NM_016418.5, NM_181825.3, NM_181832.3); c.617A>G, p.Asn206Ser (NM_181828.3); c.620A>G, p.Asn207Ser (NM_181829.3); c.494A>G, p.Asn165Ser (NM_181830.3, NM_181831.3); c.447+18987A>G (NM_181833.3); short protein forms N248S, N165S, N207S, N206S.
Identifiers: ClinVar variation 936191 (VCV000936191.10), dbSNP rs2066469348, ClinGen allele CA411143876.

ClinVar aggregate classification (germline): Uncertain significance (1 of 4 stars; one submission).

Conditions:
Neurofibromatosis, type 2 (SWNV). Also called: BILATERAL ACOUSTIC NEUROFIBROMATOSIS; SCHWANNOMATOSIS, VESTIBULAR; NF2-Related Schwannomatosis. Identifiers: Orphanet 637, MedGen C0027832, MONDO:0007039, OMIM 101000. Disease mechanism: loss of function.

Submission:

Labcorp Genetics (formerly Invitae), Labcorp
Classification: Uncertain significance for Neurofibromatosis, type 2. Last evaluated: 2022-01-27. Review status: criteria provided, single submitter. Criteria: Invitae Variant Classification Sherloc (09022015). Collection method: clinical testing. Allele origin: germline.
Comment: This variant is not present in population databases (gnomAD no frequency). This sequence change replaces asparagine, which is neutral and polar, with serine, which is neutral and polar, at codon 248 of the NF2 protein (p.Asn248Ser). This variant has not been reported in the literature in individuals affected with NF2-related conditions. In summary, the available evidence is currently insufficient to determine the role of this variant in disease. Therefore, it has been classified as a Variant of Uncertain Significance. Algorithms developed to predict the effect of missense changes on protein structure and function are either unavailable or do not agree on the potential impact of this missense change (SIFT: "Deleterious"; PolyPhen-2: "Benign"; Align-GVGD: "Class C15"). ClinVar contains an entry for this variant (Variation ID: 936191).